The following is an entry in ClinVar:

ClinVar aggregate classification (germline): Benign/Likely benign. Review status: criteria provided, multiple submitters, no conflicts (2 of 4 stars). 3 submissions from 3 submitters: Benign (2); Likely benign (1). Last evaluated 2026-01-27.

Conditions:
TNFRSF11B-related disorder. Also called: TNFRSF11B-related condition.

Allele frequency attached by ClinVar (database versions not stated): ESP Exome Variant Server 0.00069; 1000 Genomes Project 30x 0.00172; 1000 Genomes Project 0.00200.
gnomAD v4.1: 465 of 1,614,000 alleles (0.029%); highest among the groups gnomAD compares: African/African-American, 0.23%; 5 homozygotes.

Submissions (3):

Labcorp Genetics (formerly Invitae), Labcorp
Classification: Benign. Last evaluated: 2026-01-27. Review status: criteria provided, single submitter. Criteria: Invitae Variant Classification Sherloc (09022015). Collection method: clinical testing. Allele origin: germline.

PreventionGenetics, part of Exact Sciences
Classification: Likely benign for TNFRSF11B-related condition. Last evaluated: 2025-05-13. Review status: criteria provided, single submitter. Criteria: ACMG Guidelines, 2015. Collection method: clinical testing. Allele origin: germline.
Comment: This variant is classified as likely benign based on ACMG/AMP sequence variant interpretation guidelines (Richards et al. 2015 PMID: 25741868, with internal and published modifications).

Breakthrough Genomics
Classification: Benign. Review status: criteria provided, single submitter. Criteria: ACMG Guidelines, 2015. Collection method: not provided. Allele origin: germline. Inheritance: Autosomal recessive inheritance. Affected: yes.

NM_002546.4(TNFRSF11B):c.699C>T (p.Asn233=)

Gene: TNFRSF11B (TNF receptor superfamily member 11b; minus strand). Cytogenetic location: 8q24.12.
Variant type: single nucleotide variant.
Coding change: c.699C>T on transcript NM_002546.4 (MANE Select); coding-DNA position 699, C replaced by T.
Protein change: p.Asn233=; no amino-acid change (asparagine 233 retained).
Molecular consequence: synonymous variant.
Genome position (GRCh38, 1-based): chr8:118,926,612, G>A on the plus strand (C>T on the coding strand, the complement: TNFRSF11B is on the minus strand). VCF-style: chr8-118926612-G-A. GRCh37 (hg19) VCF-style: chr8-119938851-G-A.
Other names: c.699C>T (NM_002546.3).
Identifiers: ClinVar variation 1572885 (VCV001572885.10), dbSNP rs150457771, ClinGen allele CA4854848.
Genomic context (GRCh38, chr8:118,926,612, plus strand): 5'-CAGCTGGAAAGTCTGTTCTTGTGAGCTGTGTTGCCGTTTTATCCTCTCTACACTCTCTGC[G>A]TTTACTTTGGTGCCAGGCAAATTGTCTACCAAGACACTAAGCCAGTTAGGCGTAAACTTT-3'
Protein context (NP_002537.3, residues 223-243): LVDNLPGTKV[Asn233=]AESVERIKRQ